The following is an entry in ClinVar:

ClinVar aggregate classification (germline): Uncertain significance (1 of 4 stars; one submission).

Conditions:
Cardiovascular phenotype. Identifiers: MedGen CN230736.

Submission:

Ambry Genetics
Classification: Uncertain significance for Cardiovascular phenotype. Last evaluated: 2025-12-22. Review status: criteria provided, single submitter. Criteria: Ambry Variant Classification Scheme 2023. Collection method: clinical testing. Allele origin: germline.
Comment: The p.M1784L variant (also known as c.5350A>T), located in coding exon 34 of the MYH6 gene, results from an A to T substitution at nucleotide position 5350. The methionine at codon 1784 is replaced by leucine, an amino acid with highly similar properties. This amino acid position is highly conserved in available vertebrate species. In addition, the in silico prediction for this alteration is inconclusive. Based on the available evidence, the clinical significance of this variant remains unclear.

NM_002471.4(MYH6):c.5350A>T (p.Met1784Leu)

Gene: MYH6 (myosin heavy chain 6; minus strand). Cytogenetic location: 14q11.2.
Variant type: single nucleotide variant.
Coding change: c.5350A>T on transcript NM_002471.4 (MANE Select); coding-DNA position 5350, A replaced by T.
Protein change: p.Met1784Leu; replaces methionine 1784 with leucine.
Molecular consequence: missense variant.
Genome position (GRCh38, 1-based): chr14:23,384,657, T>A on the plus strand (A>T on the coding strand, the complement: MYH6 is on the minus strand). VCF-style: chr14-23384657-T-A. GRCh37 (hg19) VCF-style: chr14-23853866-T-A.
Other names: short protein forms M1784L.
Identifiers: ClinVar variation 4843584 (VCV004843584.1).